The following is an entry in ClinVar:

NM_018240.7(KIRREL1):c.477C>T (p.Asp159=)

Gene: KIRREL1 (kirre like nephrin family adhesion molecule 1; plus strand). Cytogenetic location: 1q23.1.
Variant type: single nucleotide variant.
Coding change: c.477C>T on transcript NM_018240.7 (MANE Select); coding-DNA position 477, C replaced by T.
Protein change: p.Asp159=; no amino-acid change (aspartic acid 159 retained).
Molecular consequence: synonymous variant.
Genome position (GRCh38, 1-based): chr1:158,084,546, C>T. VCF-style: chr1-158084546-C-T. GRCh37 (hg19) VCF-style: chr1-158054336-C-T.
Other names: c.177C>T, p.Asp59= (NM_001286349.2).
Identifiers: ClinVar variation 3033918 (VCV003033918.2), dbSNP rs546719871, ClinGen allele CA1177389.

ClinVar aggregate classification (germline): Likely benign (0 of 4 stars; one submission).

Conditions:
KIRREL1-related disorder. Also called: KIRREL1-related condition.

Allele frequency attached by ClinVar (database versions not stated): 1000 Genomes Project 30x 0.00016; 1000 Genomes Project 0.00020; ExAC 0.00039; gnomAD 0.00093; TOPMed 0.00099.
gnomAD v4.1: 299 of 1,551,764 alleles (0.019%); highest among the groups gnomAD compares: African/African-American, 0.28%; no homozygotes.

Submission:

PreventionGenetics, part of Exact Sciences
Classification: Likely benign for KIRREL1-related condition. Last evaluated: 2022-04-07. Review status: no assertion criteria provided. Collection method: clinical testing. Allele origin: germline.
Comment: This variant is classified as likely benign based on ACMG/AMP sequence variant interpretation guidelines (Richards et al. 2015 PMID: 25741868, with internal and published modifications).